The following is an entry in ClinVar:

NM_021167.5(GATAD1):c.242G>A (p.Gly81Asp)

Genes: GATAD1 (GATA zinc finger domain containing 1; plus strand), LOC129998793 (ATAC-STARR-seq lymphoblastoid silent region 18371; plus strand). Cytogenetic location: 7q21.2.
Variant type: single nucleotide variant.
Coding change: c.242G>A on transcript NM_021167.5 (MANE Select); coding-DNA position 242, G replaced by A.
Protein change: p.Gly81Asp; replaces glycine 81 with aspartic acid.
Molecular consequence: missense variant. On other transcripts: non-coding transcript variant (1).
Genome position (GRCh38, 1-based): chr7:92,447,971, G>A. VCF-style: chr7-92447971-G-A. GRCh37 (hg19) VCF-style: chr7-92077285-G-A.
Other names: short protein forms G81D.
Identifiers: ClinVar variation 3227578 (VCV003227578.1), dbSNP rs1316022302, ClinGen allele CA368155979.

ClinVar aggregate classification (germline): Uncertain significance (1 of 4 stars; one submission).

Conditions:
Cardiovascular phenotype. Identifiers: MedGen CN230736.

Allele frequency attached by ClinVar (database versions not stated): gnomAD exomes below 0.00001; TOPMed below 0.00001; gnomAD 0.00001.
gnomAD v4.1: 2 of 1,221,904 alleles (0.00016%); highest among the groups gnomAD compares: Non-Finnish European, 0.0002%; no homozygotes.

Submission:

Ambry Genetics
Classification: Uncertain significance for Cardiovascular phenotype. Last evaluated: 2024-02-17. Review status: criteria provided, single submitter. Criteria: Ambry Variant Classification Scheme 2023. Collection method: clinical testing. Allele origin: germline.
Comment: The p.G81D variant (also known as c.242G>A), located in coding exon 1 of the GATAD1 gene, results from a G to A substitution at nucleotide position 242. The glycine at codon 81 is replaced by aspartic acid, an amino acid with similar properties. This amino acid position is conserved. In addition, this alteration is predicted to be tolerated by in silico analysis. Based on the available evidence, the clinical significance of this alteration remains unclear.